The following is an entry in ClinVar:

ClinVar aggregate classification (germline): Conflicting classifications of pathogenicity. Review status: criteria provided, conflicting classifications (1 of 4 stars). 2 submissions from 2 submitters: Uncertain significance (1); Likely benign (1). Last evaluated 2025-10-15.

Allele frequency attached by ClinVar (database versions not stated): ExAC 0.00017; ESP Exome Variant Server 0.00034; 1000 Genomes Project 0.00060; gnomAD 0.00076 and 0.00081; TOPMed 0.00081; 1000 Genomes Project 30x 0.00094; gnomAD exomes 0.00007 and 0.00014.
gnomAD v4.1: 216 of 1,613,816 alleles (0.013%); highest among the groups gnomAD compares: African/African-American, 0.27%; no homozygotes.

Submissions (2):

Labcorp Genetics (formerly Invitae), Labcorp
Classification: Likely benign. Last evaluated: 2025-10-15. Review status: criteria provided, single submitter. Criteria: Invitae Variant Classification Sherloc (09022015). Collection method: clinical testing. Allele origin: germline.

Ambry Genetics
Classification: Uncertain significance. Last evaluated: 2022-10-17. Review status: criteria provided, single submitter. Criteria: Ambry Variant Classification Scheme 2023. Collection method: clinical testing. Allele origin: germline.
Comment: The p.Q596R variant (also known as c.1787A>G), located in coding exon 13 of the NPAT gene, results from an A to G substitution at nucleotide position 1787. The glutamine at codon 596 is replaced by arginine, an amino acid with highly similar properties. This amino acid position is conserved. In addition, this alteration is predicted to be tolerated by in silico analysis. Since supporting evidence is limited at this time, the clinical significance of this alteration remains unclear.

NM_002519.3(NPAT):c.1787A>G (p.Gln596Arg)

Gene: NPAT (nuclear protein, coactivator of histone transcription; minus strand). Cytogenetic location: 11q22.3.
Variant type: single nucleotide variant.
Coding change: c.1787A>G on transcript NM_002519.3 (MANE Select); coding-DNA position 1787, A replaced by G.
Protein change: p.Gln596Arg; replaces glutamine 596 with arginine.
Molecular consequence: missense variant.
Genome position (GRCh38, 1-based): chr11:108,173,197, T>C on the plus strand (A>G on the coding strand, the complement: NPAT is on the minus strand). VCF-style: chr11-108173197-T-C. GRCh37 (hg19) VCF-style: chr11-108043924-T-C.
Other names: c.1787A>G, p.Gln596Arg (NM_001321307.1); short protein forms Q596R.
Identifiers: ClinVar variation 733665 (VCV000733665.9), dbSNP rs115767553, ClinGen allele CA6263941.